The following is an entry in ClinVar:

NM_003482.4(KMT2D):c.6593C>G (p.Pro2198Arg)

Gene: KMT2D (lysine methyltransferase 2D; minus strand). Cytogenetic location: 12q13.12.
Variant type: single nucleotide variant.
Coding change: c.6593C>G on transcript NM_003482.4 (MANE Select); coding-DNA position 6593, C replaced by G.
Protein change: p.Pro2198Arg; replaces proline 2198 with arginine.
Molecular consequence: missense variant.
Genome position (GRCh38, 1-based): chr12:49,041,177, G>C on the plus strand (C>G on the coding strand, the complement: KMT2D is on the minus strand). VCF-style: chr12-49041177-G-C. GRCh37 (hg19) VCF-style: chr12-49434960-G-C.
Other names: short protein forms P2198R.
Identifiers: ClinVar variation 3355212 (VCV003355212.1).

ClinVar aggregate classification (germline): Uncertain significance (0 of 4 stars; one submission).

Conditions:
KMT2D-related disorder. Also called: KMT2D-Related Disorders.

gnomAD v4.1: 9 of 1,519,292 alleles (0.00059%); highest among the groups gnomAD compares: East Asian, 0.0045%; no homozygotes.

Submission:

PreventionGenetics, part of Exact Sciences
Classification: Uncertain significance for KMT2D-related condition. Last evaluated: 2024-08-21. Review status: no assertion criteria provided. Collection method: clinical testing. Allele origin: germline.
Comment: The KMT2D c.6593C>G variant is predicted to result in the amino acid substitution p.Pro2198Arg. To our knowledge, this variant has not been reported in the literature. This variant is reported in 0.0061% of alleles in individuals of East Asian descent in gnomAD. At this time, the clinical significance of this variant is uncertain due to the absence of conclusive functional and genetic evidence.